The following is an entry in ClinVar:

NM_000256.3(MYBPC3):c.3001C>A (p.Pro1001Thr)

Gene: MYBPC3 (myosin binding protein C3; minus strand). Cytogenetic location: 11p11.2.
Variant type: single nucleotide variant.
Coding change: c.3001C>A on transcript NM_000256.3 (MANE Select); coding-DNA position 3001, C replaced by A.
Protein change: p.Pro1001Thr; replaces proline 1001 with threonine.
Molecular consequence: missense variant.
Genome position (GRCh38, 1-based): chr11:47,333,746, G>T on the plus strand (C>A on the coding strand, the complement: MYBPC3 is on the minus strand). VCF-style: chr11-47333746-G-T. GRCh37 (hg19) VCF-style: chr11-47355297-G-T.
Other names: short protein forms P1001T.
Identifiers: ClinVar variation 2448109 (VCV002448109.2), dbSNP rs2095879726, ClinGen allele CA380315693.

ClinVar aggregate classification (germline): Uncertain significance (1 of 4 stars; one submission).

Conditions:
Cardiovascular phenotype. Identifiers: MedGen CN230736.

Allele frequency attached by ClinVar (database versions not stated): gnomAD 0.00001.
gnomAD v4.1: 8 of 1,597,444 alleles (0.0005%); highest among the groups gnomAD compares: East Asian, 0.018%; no homozygotes.

Submission:

Ambry Genetics
Classification: Uncertain significance for Cardiovascular phenotype. Last evaluated: 2023-02-26. Review status: criteria provided, single submitter. Criteria: Ambry Variant Classification Scheme 2023. Collection method: clinical testing. Allele origin: germline.
Comment: The p.P1001T variant (also known as c.3001C>A), located in coding exon 29 of the MYBPC3 gene, results from a C to A substitution at nucleotide position 3001. The proline at codon 1001 is replaced by threonine, an amino acid with highly similar properties. This amino acid position is conserved. In addition, this alteration is predicted to be deleterious by in silico analysis. Since supporting evidence is limited at this time, the clinical significance of this alteration remains unclear.